The following is an entry in ClinVar:

NM_003628.6(PKP4):c.3113C>A (p.Pro1038His)

Genes: PKP4 (plakophilin 4; plus strand), PKP4-AS1 (PKP4 antisense RNA 1; minus strand). Cytogenetic location: 2q24.1.
Variant type: single nucleotide variant.
Coding change: c.3113C>A on transcript NM_003628.6 (MANE Select); coding-DNA position 3113, C replaced by A.
Protein change: p.Pro1038His; replaces proline 1038 with histidine.
Molecular consequence: missense variant.
Genome position (GRCh38, 1-based): chr2:158,673,986, C>A. VCF-style: chr2-158673986-C-A. GRCh37 (hg19) VCF-style: chr2-159530498-C-A.
Other names: c.3110C>A, p.Pro1037His (NM_001377226.1, NM_001304969.3, NM_001377219.1 and 2 more transcripts); c.3113C>A, p.Pro1038His (NM_001377225.1, NM_001005476.4, NM_001377218.1); c.2084C>A, p.Pro695His (NM_001304970.3); c.3107C>A, p.Pro1036His (NM_001377222.1, NM_001377223.1); c.3104C>A, p.Pro1035His (NM_001377224.1); short protein forms P1035H, P1038H, P1037H, P1036H, P695H.
Identifiers: ClinVar variation 1727777 (VCV001727777.2), dbSNP rs1299957190, ClinGen allele CA348907175.
Genomic context (GRCh38, chr2:158,673,986, plus strand): 5'-TGGAGCGAGACCGATTCAAATCACATCCTTCCTTGTCTACCACCAACCAACAGATGTCAC[C>A]CATCATTCAGTCAGGTCAGTGGGAAAATGCCACTCCTTGGCGAGAACCTTTGTGTGACAG-3'
Protein context (NP_003619.2, residues 1028-1048): SLSTTNQQMS[Pro1038His]IIQSVGSTSS

ClinVar aggregate classification (germline): Uncertain significance (1 of 4 stars; one submission).

Submission:

Ambry Genetics
Classification: Uncertain significance. Last evaluated: 2022-10-21. Review status: criteria provided, single submitter. Criteria: Ambry Variant Classification Scheme 2023. Collection method: clinical testing. Allele origin: germline.
Comment: The p.P1038H variant (also known as c.3113C>A), located in coding exon 18 of the PKP4 gene, results from a C to A substitution at nucleotide position 3113. The proline at codon 1038 is replaced by histidine, an amino acid with similar properties. This amino acid position is conserved. In addition, the in silico prediction for this alteration is inconclusive. Since supporting evidence is limited at this time, the clinical significance of this alteration remains unclear.